The following is an entry in ClinVar:

ClinVar aggregate classification (germline): Uncertain significance (1 of 4 stars; one submission).

Conditions:
Amyotrophic lateral sclerosis type 21. Also called: VOCAL CORD AND PHARYNGEAL DYSFUNCTION WITH DISTAL MYOPATHY; MYOPATHY, DISTAL, 2. Identifiers: Orphanet 600, Orphanet 803, MedGen C3807521, MONDO:0011632, OMIM 606070.

Allele frequency attached by ClinVar (database versions not stated): gnomAD exomes below 0.00001.
gnomAD v4.1: 2 of 1,614,126 alleles (0.00012%); highest among the groups gnomAD compares: Non-Finnish European, 0.000085%; no homozygotes.

Submission:

Labcorp Genetics (formerly Invitae), Labcorp
Classification: Uncertain significance for Amyotrophic lateral sclerosis type 21. Last evaluated: 2022-09-27. Review status: criteria provided, single submitter. Criteria: Invitae Variant Classification Sherloc (09022015). Collection method: clinical testing. Allele origin: germline.
Comment: This sequence change replaces leucine, which is neutral and non-polar, with phenylalanine, which is neutral and non-polar, at codon 723 of the MATR3 protein (p.Leu723Phe). This variant is not present in population databases (gnomAD no frequency). This variant has not been reported in the literature in individuals affected with MATR3-related conditions. Advanced modeling of protein sequence and biophysical properties (such as structural, functional, and spatial information, amino acid conservation, physicochemical variation, residue mobility, and thermodynamic stability) performed at Invitae indicates that this missense variant is not expected to disrupt MATR3 protein function. In summary, the available evidence is currently insufficient to determine the role of this variant in disease. Therefore, it has been classified as a Variant of Uncertain Significance.

NM_018834.6(MATR3):c.2167C>T (p.Leu723Phe)

Gene: MATR3 (matrin 3; plus strand). Cytogenetic location: 5q31.2.
Variant type: single nucleotide variant.
Coding change: c.2167C>T on transcript NM_018834.6 (MANE Select); coding-DNA position 2167, C replaced by T.
Protein change: p.Leu723Phe; replaces leucine 723 with phenylalanine.
Molecular consequence: missense variant.
Genome position (GRCh38, 1-based): chr5:139,325,458, C>T. VCF-style: chr5-139325458-C-T. GRCh37 (hg19) VCF-style: chr5-138661147-C-T.
Other names: c.2167C>T, p.Leu723Phe (NM_001194954.2, NM_001194955.2, NM_001400447.1 and 11 more transcripts); c.1303C>T, p.Leu435Phe (NM_001194956.2); c.1153C>T, p.Leu385Phe (NM_001282278.2, NM_001400462.1, NM_001400463.1 and 4 more transcripts); c.2311C>T, p.Leu771Phe (NM_001400441.1, NM_001400442.1, NM_001400443.1 and 2 more transcripts); c.1306C>T, p.Leu436Phe (NM_001400459.1); c.1297C>T, p.Leu433Phe (NM_001400460.1); c.1267C>T, p.Leu423Phe (NM_001400461.1); short protein forms L385F, L423F, L436F, L771F, L723F, L433F, L435F.
Identifiers: ClinVar variation 2191227 (VCV002191227.4), dbSNP rs2546883377, ClinGen allele CA361146027.
Genomic context (GRCh38, chr5:139,325,458, plus strand): 5'-AAATCTGGTGACAAAAATGATGATGGTTTGGTTGAAATTAAGGTGGACAAGATCGAGGAA[C>T]TTGATCAAGAAAACGAAGCAGCGTTGGAAAATGGAATTAAAAATGAGGAAAACACAGAAC-3'
Protein context (NP_061322.2, residues 713-733): KLKKVDKIEE[Leu723Phe]DQENEAALEN